The following is an entry in ClinVar:

NM_004082.5(DCTN1):c.3281T>C (p.Leu1094Pro)

Gene: DCTN1 (dynactin subunit 1; minus strand). Cytogenetic location: 2p13.1.
Variant type: single nucleotide variant.
Coding change: c.3281T>C on transcript NM_004082.5 (MANE Select); coding-DNA position 3281, T replaced by C.
Protein change: p.Leu1094Pro; replaces leucine 1094 with proline.
Molecular consequence: missense variant. On other transcripts: non-coding transcript variant (1).
Genome position (GRCh38, 1-based): chr2:74,363,358, A>G on the plus strand (T>C on the coding strand, the complement: DCTN1 is on the minus strand). VCF-style: chr2-74363358-A-G. GRCh37 (hg19) VCF-style: chr2-74590485-A-G.
Other names: c.3206T>C, p.Leu1069Pro (NM_001135040.3); c.2864T>C, p.Leu955Pro (NM_001135041.3); c.3155T>C, p.Leu1052Pro (NM_001190836.2); c.3260T>C, p.Leu1087Pro (NM_001190837.2); c.3230T>C, p.Leu1077Pro (NM_001378991.1); c.3212T>C, p.Leu1071Pro (NM_001378992.1); c.2879T>C, p.Leu960Pro (NM_023019.4); short protein forms L1052P, L1069P, L1077P, L1087P, L1094P, L960P, L955P, L1071P.
Identifiers: ClinVar variation 4793168 (VCV004793168.1).

ClinVar aggregate classification (germline): Uncertain significance (1 of 4 stars; one submission).

Conditions:
Amyotrophic lateral sclerosis type 1 (ALS1). Also called: AMYOTROPHIC LATERAL SCLEROSIS 1, FAMILIAL. Identifiers: Orphanet 803, MedGen C1862939, MONDO:0007103, OMIM 105400.
Neuronopathy, distal hereditary motor, type 7B. Also called: NEURONOPATHY, DISTAL HEREDITARY MOTOR, AUTOSOMAL DOMINANT 14; NEURONOPATHY, DISTAL HEREDITARY MOTOR, HARDING TYPE VIIB; NEUROPATHY, DISTAL HEREDITARY MOTOR, HARDING TYPE VIIB; NEUROPATHY, DISTAL HEREDITARY MOTOR, WITH VOCAL CORD PARALYSIS, HARDING TYPE VIIB; HMN VIIB; LOWER MOTOR NEURON DISEASE, DYNACTIN TYPE. Identifiers: Orphanet 139589, MedGen C1843315, MONDO:0011879, OMIM 607641.
Perry syndrome. Also called: PARKINSONISM WITH ALVEOLAR HYPOVENTILATION AND MENTAL DEPRESSION. Identifiers: Orphanet 178509, MedGen C1868594, MONDO:0008201, OMIM 168605.

gnomAD v4.1: 1 of 1,612,798 alleles (0.000062%); no homozygotes.

Submission:

Labcorp Genetics (formerly Invitae), Labcorp
Classification: Uncertain significance for Amyotrophic lateral sclerosis type 1; Neuronopathy, distal hereditary motor, type 7B; Perry syndrome. Last evaluated: 2025-03-31. Review status: criteria provided, single submitter. Criteria: Invitae Variant Classification Sherloc (09022015). Collection method: clinical testing. Allele origin: germline.
Comment: This sequence change replaces leucine, which is neutral and non-polar, with proline, which is neutral and non-polar, at codon 1094 of the DCTN1 protein (p.Leu1094Pro). This variant is not present in population databases (gnomAD no frequency). This variant has not been reported in the literature in individuals affected with DCTN1-related conditions. Invitae Evidence Modeling of protein sequence and biophysical properties (such as structural, functional, and spatial information, amino acid conservation, physicochemical variation, residue mobility, and thermodynamic stability) indicates that this missense variant is not expected to disrupt DCTN1 protein function with a negative predictive value of 95%. In summary, the available evidence is currently insufficient to determine the role of this variant in disease. Therefore, it has been classified as a Variant of Uncertain Significance.